The following is an entry in ClinVar:

ClinVar aggregate classification (germline): Uncertain significance. Review status: criteria provided, multiple submitters, no conflicts (2 of 4 stars). 2 submissions from 2 submitters: Uncertain significance (2). Last evaluated 2025-06-24.

Allele frequency attached by ClinVar (database versions not stated): ExAC 0.00005; gnomAD 0.00002; TOPMed 0.00007.
gnomAD v4.1: 61 of 1,613,958 alleles (0.0038%); highest among the groups gnomAD compares: East Asian, 0.025%; no homozygotes.

Submissions (2):

Labcorp Genetics (formerly Invitae), Labcorp
Classification: Uncertain significance. Last evaluated: 2025-06-24. Review status: criteria provided, single submitter. Criteria: Invitae Variant Classification Sherloc (09022015). Collection method: clinical testing. Allele origin: germline.
Comment: This sequence change replaces valine, which is neutral and non-polar, with methionine, which is neutral and non-polar, at codon 425 of the ZNF687 protein (p.Val425Met). This variant is present in population databases (rs769213718, gnomAD 0.03%). This variant has not been reported in the literature in individuals affected with ZNF687-related conditions. ClinVar contains an entry for this variant (Variation ID: 2342014). An algorithm developed to predict the effect of missense changes on protein structure and function (PolyPhen-2) suggests that this variant is likely to be disruptive. In summary, the available evidence is currently insufficient to determine the role of this variant in disease. Therefore, it has been classified as a Variant of Uncertain Significance.

Ambry Genetics
Classification: Uncertain significance. Last evaluated: 2021-10-12. Review status: criteria provided, single submitter. Criteria: Ambry Variant Classification Scheme 2023. Collection method: clinical testing. Allele origin: germline.

NM_020832.3(ZNF687):c.1273G>A (p.Val425Met)

Gene: ZNF687 (zinc finger protein 687; plus strand). Cytogenetic location: 1q21.3.
Variant type: single nucleotide variant.
Coding change: c.1273G>A on transcript NM_020832.3 (MANE Select); coding-DNA position 1273, G replaced by A.
Protein change: p.Val425Met; replaces valine 425 with methionine.
Molecular consequence: missense variant.
Genome position (GRCh38, 1-based): chr1:151,287,564, G>A. VCF-style: chr1-151287564-G-A. GRCh37 (hg19) VCF-style: chr1-151260040-G-A.
Other names: c.1273G>A, p.Val425Met (NM_001304763.2, NM_001304764.2); short protein forms V425M.
Identifiers: ClinVar variation 2342014 (VCV002342014.5), dbSNP rs769213718, ClinGen allele CA1088305.